The following is an entry in ClinVar:

NM_001846.4(COL4A2):c.4863_4867del (p.Gly1622fs)

Gene: COL4A2 (collagen type IV alpha 2 chain; plus strand). Cytogenetic location: 13q34.
Variant type: Deletion.
Coding change: c.4863_4867del on transcript NM_001846.4 (MANE Select); coding-DNA positions 4863 to 4867, 5 bases deleted (CGGAT; older notation c.4863_4867delCGGAT).
Protein change: p.Gly1622fs; shifts the reading frame from glycine 1622.
Molecular consequence: frameshift variant.
Genome position (GRCh38, 1-based): chr13:110,508,203-110,508,207, CGGAT deleted; deleting any 5 consecutive bases within chr13:110,508,199-110,508,207 gives the same sequence; the c. name uses the placement nearest the transcript's 3' end. VCF-style (leftmost placement, unchanged base first): chr13-110508198-TGGATC-T. GRCh37 (hg19) VCF-style: chr13-111160545-TGGATC-T.
Other names: short protein forms G1622fs.
Identifiers: ClinVar variation 2696283 (VCV002696283.3), dbSNP rs2502218058, ClinGen allele CA2697551945.

ClinVar aggregate classification (germline): Uncertain significance (1 of 4 stars; one submission).

Submission:

Labcorp Genetics (formerly Invitae), Labcorp
Classification: Uncertain significance. Last evaluated: 2023-11-21. Review status: criteria provided, single submitter. Criteria: Invitae Variant Classification Sherloc (09022015). Collection method: clinical testing. Allele origin: germline.
Comment: This sequence change results in a frameshift in the COL4A2 gene (p.Gly1622Phefs*121). While this is not anticipated to result in nonsense mediated decay, it is expected to disrupt the last 91 amino acid(s) of the COL4A2 protein and extend the protein by 29 additional amino acid residues. This variant is not present in population databases (gnomAD no frequency). This variant has not been reported in the literature in individuals affected with COL4A2-related conditions. In summary, the available evidence is currently insufficient to determine the role of this variant in disease. Therefore, it has been classified as a Variant of Uncertain Significance.